The following is an entry in ClinVar:

NM_025114.4(CEP290):c.1523-6T>C

Gene: CEP290 (centrosomal protein 290; minus strand). Cytogenetic location: 12q21.32.
Variant type: single nucleotide variant.
Coding change: c.1523-6T>C on transcript NM_025114.4 (MANE Select); 6 bases into the intron before coding-DNA position 1523, T replaced by C.
Molecular consequence: intron variant.
Genome position (GRCh38, 1-based): chr12:88,118,749, A>G on the plus strand (T>C on the coding strand, the complement: CEP290 is on the minus strand). VCF-style: chr12-88118749-A-G. GRCh37 (hg19) VCF-style: chr12-88512526-A-G.
Identifiers: ClinVar variation 695588 (VCV000695588.15), dbSNP rs755202424, ClinGen allele CA6712534.

ClinVar aggregate classification (germline): Conflicting classifications of pathogenicity. Review status: criteria provided, conflicting classifications (1 of 4 stars). 5 submissions from 5 submitters: Uncertain significance (2); Likely benign (2). 1 of the submissions does not count toward it. Last evaluated 2026-09-24.

Conditions:
Joubert syndrome. Also called: JOUBERT-BOLTSHAUSER SYNDROME; Familial aplasia of the vermis. Identifiers: Orphanet 475, MedGen C5979921, MONDO:0018772.
Nephronophthisis. Also called: Juvenile Nephronophthisis. Identifiers: Orphanet 655, MedGen C0687120, MONDO:0019005, HP:0000090.
Meckel-Gruber syndrome. Also called: Dysencephalia splachnocystica; DYSENCEPHALIA SPLANCHNOCYSTICA; GRUBER SYNDROME. Identifiers: Orphanet 564, MedGen C0265215, MONDO:0018921.
CEP290-related disorder. Also called: CEP290-related disorders; CEP290-related condition. Identifiers: MedGen CN239314.
Leber congenital amaurosis (LCA). Also called: Leber's amaurosis. Identifiers: Orphanet 65, MedGen C0339527, MeSH D057130, MONDO:0018998.

Allele frequency attached by ClinVar (database versions not stated): ExAC 0.00006; gnomAD exomes 0.00008 and 0.00012; TOPMed 0.00008; gnomAD 0.00009 and 0.00007.
gnomAD v4.1: 174 of 1,583,834 alleles (0.011%); highest among the groups gnomAD compares: Non-Finnish European, 0.014%; no homozygotes.

Submissions (5):

PreventionGenetics, part of Exact Sciences
Classification: Uncertain significance for CEP290-related condition. Last evaluated: 2026-09-24. Review status: criteria provided, single submitter. Criteria: ACMG Guidelines, 2015. Collection method: clinical testing. Allele origin: germline.
Comment: The CEP290 c.1523-6T>C variant is predicted to interfere with splicing. This variant is predicted to impact splicing based on available splicing prediction programs (SpliceAI, Jaganathan et al. 2019. PubMed ID: 30661751). However, the use of computer prediction programs is not equivalent to functional evidence. This variant has been reported in the heterozygous state in an individual with focal segmental glomerulosclerosis (Table S4, Wang et al. 2019. PubMed ID: 31308072). This variant is reported in 0.014% of alleles in individuals of European (non-Finnish) descent in gnomAD. At this time, the clinical significance of this variant is uncertain due to the absence of conclusive functional and genetic evidence.

GeneDx
Classification: Uncertain significance. Last evaluated: 2026-04-08. Review status: criteria provided, single submitter. Criteria: GeneDx Variant Classification Process June 2021. Collection method: clinical testing. Allele origin: germline.
Comment: Not observed at significant frequency in large population cohorts (gnomAD); In silico analysis is inconclusive as to whether the variant alters gene splicing. In the absence of RNA/functional studies, the actual effect of this sequence change is unknown.; Identified in an individual with focal and segmental glomerulosclerosis in published literature (PMID: 31308072); This variant is associated with the following publications: (PMID: 31308072)

Labcorp Genetics (formerly Invitae), Labcorp
Classification: Likely benign for Joubert syndrome; Meckel-Gruber syndrome; Nephronophthisis. Last evaluated: 2025-12-08. Review status: criteria provided, single submitter. Criteria: Invitae Variant Classification Sherloc (09022015). Collection method: clinical testing. Allele origin: germline.

Blueprint Genetics
Classification: Likely benign. Last evaluated: 2024-03-04. Review status: criteria provided, single submitter. Criteria: ACMG Guidelines, 2015. Collection method: clinical testing. Allele origin: germline.

Natera, Inc.
Classification: Uncertain significance for Leber congenital amaurosis. Last evaluated: 2020-02-13. Review status: no assertion criteria provided. Collection method: clinical testing. Allele origin: germline. Not counted in ClinVar's aggregate classification.